The following is an entry in ClinVar:

ClinVar aggregate classification (germline): Uncertain significance (0 of 4 stars; one submission).

Conditions:
PLXNA3-related disorder. Also called: PLXNA3-related condition.

Allele frequency attached by ClinVar (database versions not stated): TOPMed 0.00005; gnomAD 0.00006; gnomAD exomes 0.00008.

Submission:

PreventionGenetics, part of Exact Sciences
Classification: Uncertain significance for PLXNA3-related condition. Last evaluated: 2024-06-23. Review status: no assertion criteria provided. Collection method: clinical testing. Allele origin: germline.
Comment: The PLXNA3 c.3419C>T variant is predicted to result in the amino acid substitution p.Pro1140Leu. To our knowledge, this variant has not been reported in the literature. This variant is reported in 0.0014% of alleles in individuals of European (Non-Finnish) descent in gnomAD. At this time, the clinical significance of this variant is uncertain due to the absence of conclusive functional and genetic evidence.

NM_017514.5(PLXNA3):c.3419C>T (p.Pro1140Leu)

Gene: PLXNA3 (plexin A3; plus strand). Cytogenetic location: Xq28.
Variant type: single nucleotide variant.
Coding change: c.3419C>T on transcript NM_017514.5 (MANE Select); coding-DNA position 3419, C replaced by T.
Protein change: p.Pro1140Leu; replaces proline 1140 with leucine.
Molecular consequence: missense variant.
Genome position (GRCh38, 1-based): chrX:154,467,449, C>T. VCF-style: chrX-154467449-C-T. GRCh37 (hg19) VCF-style: chrX-153695792-C-T.
Other names: short protein forms P1140L.
Identifiers: ClinVar variation 2632032 (VCV002632032.3), dbSNP rs1255948130, ClinGen allele CA415245226.